The following is an entry in ClinVar:

ClinVar aggregate classification (germline): Conflicting classifications of pathogenicity. Review status: criteria provided, conflicting classifications (1 of 4 stars). 3 submissions from 3 submitters: Likely pathogenic (1); Uncertain significance (2). Last evaluated 2026-03-30.

Conditions:
Polycystic kidney disease, adult type (PKD1). Also called: Polycystic Kidney Disease 1, Autosomal Dominant; Polycystic kidney disease 1; Polycystic kidney disease 1, severe; Polycystic Kidney, Autosomal Dominant; POLYCYSTIC KIDNEY DISEASE 1 WITH OR WITHOUT POLYCYSTIC LIVER DISEASE; POLYCYSTIC KIDNEY DISEASE, ADULT, TYPE I. Identifiers: MedGen C3149841, MONDO:0008263, OMIM 173900.
Autosomal dominant polycystic kidney disease. Identifiers: Orphanet 730, MedGen C0085413, MONDO:0004691.

Submissions (3):

Women's Health and Genetics/Laboratory Corporation of America, LabCorp
Classification: Uncertain significance. Last evaluated: 2026-03-30. Review status: criteria provided, single submitter. Criteria: LabCorp Variant Classification Summary - May 2015. Collection method: clinical testing. Allele origin: germline.
Comment: Variant summary: PKD1 c.529+5G>A alters a nucleotide located close to a canonical splice site and therefore could affect mRNA splicing, leading to a significantly altered protein sequence. Several computational tools predict a significant impact on normal splicing: Three predict the variant weakens a 5' donor site. One predicts the variant abolishes a 5' splicing donor site. However, these predictions have yet to be confirmed by functional studies. The variant was absent in 73260 control chromosomes (gnomAD). The available data on variant occurrences in the general population are insufficient to allow any conclusion about variant significance. To our knowledge, no occurrence of c.529+5G>A in individuals affected with PKD1-related conditions and no experimental evidence demonstrating its impact on protein function have been reported. ClinVar contains an entry for this variant (Variation ID: 3068590). Based on the evidence outlined above, the variant was classified as uncertain significance.

Clinical Genetics Laboratory, Skane University Hospital Lund
Classification: Likely pathogenic for Polycystic kidney disease, adult type. Last evaluated: 2025-05-28. Review status: criteria provided, single submitter. Criteria: ACMG Guidelines, 2015. Collection method: clinical testing. Allele origin: germline. Affected: yes.
Comment: ACMG criteria used: PS4_Moderate, PM2, PP3, PP4_Strong

Molecular Genetics, Royal Melbourne Hospital
Classification: Uncertain significance for Autosomal dominant polycystic kidney disease. Last evaluated: 2024-03-01. Review status: criteria provided, single submitter. Criteria: ACMG Guidelines, 2015. Collection method: clinical testing. Allele origin: germline. Inheritance: Autosomal dominant inheritance. Affected: yes.
Comment: This sequence change in PKD1 is an intronic variant located in intron 3. This variant is absent from the population database gnomAD v4.0. This variant has been reported in at least two unrelated individuals with a clinical diagnosis of autosomal dominant polycystic kidney disease (Mayo Clinic, this laboratory). The results from an in silico splicing predictor (SpliceAI) indicate that this variant may impact splicing by abolishing the canonical splice donor site leading to the activation of a cryptic donor site in exon 4 of PKD1. Based on the classification scheme RMH Modified ACMG/AMP Guidelines v1.6.1, this variant is classified as a VARIANT OF UNCERTAIN SIGNIFICANCE. Following criteria are met: PM2_Supporting, PP3, PS4_Moderate

NM_001009944.3(PKD1):c.529+5G>A

Gene: PKD1 (polycystin 1, transient receptor potential channel interacting; minus strand). Cytogenetic location: 16p13.3.
Variant type: single nucleotide variant.
Coding change: c.529+5G>A on transcript NM_001009944.3 (MANE Select); 5 bases into the intron after coding-DNA position 529, G replaced by A.
Molecular consequence: intron variant.
Genome position (GRCh38, 1-based): chr16:2,118,671, C>T on the plus strand (G>A on the coding strand, the complement: PKD1 is on the minus strand). VCF-style: chr16-2118671-C-T. GRCh37 (hg19) VCF-style: chr16-2168672-C-T.
Other names: c.529+5G>A (NM_000296.4).
Identifiers: ClinVar variation 3068590 (VCV003068590.3), dbSNP rs2544882689, ClinGen allele CA2579754022.